The following is an entry in ClinVar:

ClinVar aggregate classification (germline): Pathogenic. Review status: criteria provided, multiple submitters, no conflicts (2 of 4 stars). 10 submissions from 9 submitters: Pathogenic (8). 2 of the submissions do not count toward it. Last evaluated 2025-12-29.

Conditions:
Usher syndrome type 2A. Also called: USHER SYNDROME, TYPE IIA; RETINAL DISEASE IN USHER SYNDROME TYPE IIA, MODIFIER OF. Identifiers: Orphanet 231178, Orphanet 886, MedGen C1848634, MONDO:0010169, OMIM 276901.
Retinitis pigmentosa 39 (RP39). Identifiers: Orphanet 791, MedGen C3151138, MONDO:0013436, OMIM 613809.
USH2A-related disorder. Also called: USH2A-related disorders; USH2A-related condition. Identifiers: MedGen CN239332.

Submissions (10):

Natera, Inc.
Classification: Pathogenic for Usher syndrome type 2A. Last evaluated: 2025-12-29. Review status: criteria provided, single submitter. Criteria: Natera Variant Classification Schema (03/2026). Collection method: clinical testing. Allele origin: germline.
Comment: The c.13207_13208del variant in USH2A is a frameshift variant predicted to shift the reading frame beginning at codon 4403 and leads to a stop codon 15 codons downstream. This variant is expected to result in nonsense mediated decay, truncation, or a dysfunctional protein product. This variant is rare in the general population with a frequency below the threshold expected for the associated phenotype(s). This variant has been observed in one or more individuals affected with the associated recessive disease, as either homozygous or compound heterozygous with a second variant (PMID: 17405132). Given the available evidence, this variant is classified as Pathogenic.

Labcorp Genetics (formerly Invitae), Labcorp
Classification: Pathogenic. Last evaluated: 2025-12-14. Review status: criteria provided, single submitter. Criteria: Invitae Variant Classification Sherloc (09022015). Collection method: clinical testing. Allele origin: germline.
Comment: This sequence change creates a premature translational stop signal (p.Gly4403Profs*15) in the USH2A gene. It is expected to result in an absent or disrupted protein product. Loss-of-function variants in USH2A are known to be pathogenic (PMID: 10729113, 10909849, 20507924, 25649381). This variant is present in population databases (rs746447649, gnomAD 0.004%). This premature translational stop signal has been observed in individual(s) with Usher syndrome type II (PMID: 17405132, 18273898, 22135276, 27318125). ClinVar contains an entry for this variant (Variation ID: 558124). For these reasons, this variant has been classified as Pathogenic.

PreventionGenetics, part of Exact Sciences
Classification: Pathogenic for USH2A-related condition. Last evaluated: 2025-07-17. Review status: criteria provided, single submitter. Criteria: ACMG Guidelines, 2015. Collection method: clinical testing. Allele origin: germline.
Comment: The USH2A c.13207_13208delGG variant is predicted to result in a frameshift and premature protein termination (p.Gly4403Profs*15). This variant has been reported in individuals with autosomal recessive USH2A-related conditions (for example, Calzetti et al. 2018. PubMed ID: 29953849; Table S1, Lin et al. 2024. PubMed ID: 38219857; Table S4, Panneman et al. 2023. PubMed ID: 36819107). This variant is reported in 0.0046% of alleles in individuals of European (Finnish) descent in gnomAD. Frameshift variants in USH2A are expected to be pathogenic, and this variant has been classified as pathogenic by multiple independent submitters to the ClinVar database. Given the evidence, we interpret c.13207_13208del (p.Gly4403Profs*15) as pathogenic.

Genome-Nilou Lab
Classification: Pathogenic for Retinitis pigmentosa 39. Last evaluated: 2023-11-04. Review status: criteria provided, single submitter. Criteria: ACMG Guidelines, 2015. Collection method: clinical testing. Allele origin: germline. Affected: no.

Genome-Nilou Lab
Classification: Pathogenic for Usher syndrome type 2A. Last evaluated: 2023-11-04. Review status: criteria provided, single submitter. Criteria: ACMG Guidelines, 2015. Collection method: clinical testing. Allele origin: germline. Affected: no.

GeneDx
Classification: Pathogenic. Last evaluated: 2023-09-02. Review status: criteria provided, single submitter. Criteria: GeneDx Variant Classification Process June 2021. Collection method: clinical testing. Allele origin: germline. Affected: yes.
Comment: Frameshift variant predicted to result in protein truncation or nonsense mediated decay in a gene for which loss of function is a known mechanism of disease; Not observed at significant frequency in large population cohorts (gnomAD); This variant is associated with the following publications: (PMID: 31964843, 36819107, 35266249, 34758253, 29953849, 17405132, 34948090)

Blueprint Genetics
Classification: Pathogenic for USH2A-related disorders. Last evaluated: 2023-07-03. Review status: criteria provided, single submitter. Criteria: ACMG Guidelines, 2015. Collection method: clinical testing. Allele origin: germline. Affected: yes. Observed: 5 variant alleles.

Baylor Genetics
Classification: Pathogenic for Retinitis pigmentosa 39. Last evaluated: 2023-03-04. Review status: criteria provided, single submitter. Criteria: ACMG Guidelines, 2015. Collection method: clinical testing. Allele origin: unknown.

Counsyl
Classification: Pathogenic for Usher syndrome type 2A; Retinitis pigmentosa 39. Last evaluated: 2018-05-01. Review status: no assertion criteria provided. Collection method: clinical testing. Allele origin: unknown. Not counted in ClinVar's aggregate classification.

Genomics England Pilot Project, Genomics England
Classification: Pathogenic for Usher syndrome type 2A. Review status: no assertion criteria provided. Criteria: ACGS Guidelines, 2016. Collection method: clinical testing. Allele origin: germline. Affected: yes. Not counted in ClinVar's aggregate classification.

Literature cited by the submitters: PubMed 17405132 (cited by 3 submitters); PubMed 10729113 (cited by Labcorp Genetics (formerly Invitae), Labcorp); PubMed 10909849 (cited by Labcorp Genetics (formerly Invitae), Labcorp); PubMed 20507924 (cited by Labcorp Genetics (formerly Invitae), Labcorp); PubMed 25649381 (cited by Labcorp Genetics (formerly Invitae), Labcorp); PubMed 18273898 (cited by Labcorp Genetics (formerly Invitae), Labcorp); PubMed 22135276 (cited by Labcorp Genetics (formerly Invitae), Labcorp and Counsyl); PubMed 27318125 (cited by Labcorp Genetics (formerly Invitae), Labcorp and Counsyl).

NM_206933.4(USH2A):c.13207_13208del (p.Gly4403fs)

Gene: USH2A (usherin; minus strand). Cytogenetic location: 1q41.
Variant type: Deletion.
Coding change: c.13207_13208del on transcript NM_206933.4 (MANE Select); coding-DNA positions 13207 to 13208, 2 bases deleted (GG; older notation c.13207_13208delGG).
Protein change: p.Gly4403fs; shifts the reading frame from glycine 4403.
Molecular consequence: frameshift variant.
Genome position (GRCh38, 1-based): chr1:215,674,703-215,674,704, CC deleted on the plus strand (GG on the coding strand, the reverse complement: USH2A is on the minus strand); deleting any 2 consecutive bases within chr1:215,674,703-215,674,705 gives the same sequence; the c. name uses the placement nearest the transcript's 3' end. VCF-style (leftmost placement, unchanged base first): chr1-215674702-GCC-G. GRCh37 (hg19) VCF-style: chr1-215848044-GCC-G.
Other names: c.13207_13208del (NM_206933.2); short protein forms G4403fs.
Identifiers: ClinVar variation 558124 (VCV000558124.22), dbSNP rs746447649, ClinGen allele CA1393331.
Genomic context (GRCh38, chr1:215,674,702, plus strand): 5'-GGCTACAAGGGAGAAGTTATACTGAGAGTAAGGCTGCAGGTGGGAAACCAGCAGGCACAG[GCC>G]CTGGCCAGCAAGGGACTCTTTATTATCATATCTAACTAAATATTTAGTAATCTTTCCATT-3'